The following is an entry in ClinVar:

NM_002519.3(NPAT):c.2753T>G (p.Val918Gly)

Gene: NPAT (nuclear protein, coactivator of histone transcription; minus strand). Cytogenetic location: 11q22.3.
Variant type: single nucleotide variant.
Coding change: c.2753T>G on transcript NM_002519.3 (MANE Select); coding-DNA position 2753, T replaced by G.
Protein change: p.Val918Gly; replaces valine 918 with glycine.
Molecular consequence: missense variant.
Genome position (GRCh38, 1-based): chr11:108,172,231, A>C on the plus strand (T>G on the coding strand, the complement: NPAT is on the minus strand). VCF-style: chr11-108172231-A-C. GRCh37 (hg19) VCF-style: chr11-108042958-A-C.
Other names: c.2753T>G, p.Val918Gly (NM_001321307.1); short protein forms V918G.
Identifiers: ClinVar variation 1795586 (VCV001795586.2), dbSNP rs1328610883, ClinGen allele CA382512309.

ClinVar aggregate classification (germline): Uncertain significance (1 of 4 stars; one submission).

Allele frequency attached by ClinVar (database versions not stated): TOPMed below 0.00001; gnomAD 0.00001.
gnomAD v4.1: 1 of 1,613,952 alleles (0.000062%); highest among the groups gnomAD compares: Non-Finnish European, 0.000085%; no homozygotes.

Submission:

Ambry Genetics
Classification: Uncertain significance. Last evaluated: 2022-03-14. Review status: criteria provided, single submitter. Criteria: Ambry Variant Classification Scheme 2023. Collection method: clinical testing. Allele origin: germline.
Comment: The p.V918G variant (also known as c.2753T>G), located in coding exon 13 of the NPAT gene, results from a T to G substitution at nucleotide position 2753. The valine at codon 918 is replaced by glycine, an amino acid with dissimilar properties. This amino acid position is conserved. In addition, the in silico prediction for this alteration is inconclusive. Since supporting evidence is limited at this time, the clinical significance of this alteration remains unclear.